The following is an entry in ClinVar:

ClinVar aggregate classification (germline): Likely benign (1 of 4 stars; one submission).

Allele frequency attached by ClinVar (database versions not stated): 1000 Genomes Project 30x 0.00328; 1000 Genomes Project 0.00339; TOPMed 0.00736; gnomAD 0.00942 and 0.00969.
gnomAD v4.1: 6,150 of 612,030 alleles (1%); highest among the groups gnomAD compares: Non-Finnish European, 1.3%; 36 homozygotes.

Submission:

GeneDx
Classification: Likely benign. Last evaluated: 2018-06-14. Review status: criteria provided, single submitter. Criteria: GeneDx Variant Classification (06012015). Collection method: clinical testing. Allele origin: germline. Affected: yes.
Comment: This variant is considered likely benign or benign based on one or more of the following criteria: it is a conservative change, it occurs at a poorly conserved position in the protein, it is predicted to be benign by multiple in silico algorithms, and/or has population frequency not consistent with disease.

NM_000719.7(CACNA1C):c.3718-131C>T

Gene: CACNA1C (calcium voltage-gated channel subunit alpha1 C; plus strand). Cytogenetic location: 12p13.33.
Variant type: single nucleotide variant.
Coding change: c.3718-131C>T on transcript NM_000719.7 (MANE Select); 131 bases into the intron before coding-DNA position 3718, C replaced by T.
Molecular consequence: intron variant.
Genome position (GRCh38, 1-based): chr12:2,611,772, C>T. VCF-style: chr12-2611772-C-T. GRCh37 (hg19) VCF-style: chr12-2720938-C-T.
Other names: c.3718-131C>T (NM_001167624.3, NM_001167623.2, NM_001167625.2 and 15 more transcripts); c.3778-131C>T (NM_199460.4, NM_001129827.2, NM_001129832.2); c.3709-131C>T (NM_001129844.2).
Identifiers: ClinVar variation 675778 (VCV000675778.1), dbSNP rs34766864, ClinGen allele CA231612680.